The following is an entry in ClinVar:

NM_001167.4(XIAP):c.421_422del (p.Leu141fs)

Gene: XIAP (X-linked inhibitor of apoptosis; plus strand). Cytogenetic location: Xq25.
Variant type: Deletion.
Coding change: c.421_422del on transcript NM_001167.4 (MANE Select); coding-DNA positions 421 to 422, 2 bases deleted (TT; older notation c.421_422delTT).
Protein change: p.Leu141fs; shifts the reading frame from leucine 141.
Molecular consequence: frameshift variant.
Genome position (GRCh38, 1-based): chrX:123,886,083-123,886,084, TT deleted; deleting any 2 consecutive bases within chrX:123,886,081-123,886,084 gives the same sequence; the c. name uses the placement nearest the transcript's 3' end. VCF-style (leftmost placement, unchanged base first): chrX-123886080-CTT-C. GRCh37 (hg19) VCF-style: chrX-123019930-CTT-C.
Other names: c.421_422del, p.Leu141fs (NM_001204401.2, NM_001378590.1, NM_001378591.1 and 1 more transcripts); short protein forms L141fs.
Identifiers: ClinVar variation 855569 (VCV000855569.7), dbSNP rs2053348573, ClinGen allele CA916081273.

ClinVar aggregate classification (germline): Pathogenic (1 of 4 stars; one submission).

Conditions:
X-linked lymphoproliferative disease due to XIAP deficiency. Also called: XIAP-Related Lymphoproliferative Disease, X-Linked; XIAP DEFICIENCY. Identifiers: Orphanet 2442, Orphanet 538934, MedGen C1845076, MONDO:0010385, OMIM 300635.

Submission:

Labcorp Genetics (formerly Invitae), Labcorp
Classification: Pathogenic for X-linked lymphoproliferative disease due to XIAP deficiency. Last evaluated: 2020-04-06. Review status: criteria provided, single submitter. Criteria: Invitae Variant Classification Sherloc (09022015). Collection method: clinical testing. Allele origin: germline.
Comment: This sequence change creates a premature translational stop signal (p.Leu141Glufs*21) in the XIAP gene. It is expected to result in an absent or disrupted protein product. For these reasons, this variant has been classified as Pathogenic. Loss-of-function variants in XIAP are known to be pathogenic (PMID: 17080092, 21119115, 25666262). This variant has not been reported in the literature in individuals with XIAP-related conditions. This variant is not present in population databases (ExAC no frequency).

Literature cited by the submitters: PubMed 17080092; PubMed 21119115; PubMed 25666262.